The following is an entry in ClinVar:

NM_001457.4(FLNB):c.6055G>A (p.Glu2019Lys)

Gene: FLNB (filamin B; plus strand). Cytogenetic location: 3p14.3.
Variant type: single nucleotide variant.
Coding change: c.6055G>A on transcript NM_001457.4 (MANE Select); coding-DNA position 6055, G replaced by A.
Protein change: p.Glu2019Lys; replaces glutamic acid 2019 with lysine.
Molecular consequence: missense variant.
Genome position (GRCh38, 1-based): chr3:58,148,816, G>A. VCF-style: chr3-58148816-G-A. GRCh37 (hg19) VCF-style: chr3-58134543-G-A.
Other names: c.6148G>A, p.Glu2050Lys (NM_001164317.2); c.6022G>A, p.Glu2008Lys (NM_001164318.2); c.5983G>A, p.Glu1995Lys (NM_001164319.2); short protein forms E1995K, E2050K, E2008K, E2019K.
Identifiers: ClinVar variation 4697063 (VCV004697063.1).

ClinVar aggregate classification (germline): Uncertain significance (1 of 4 stars; one submission).

gnomAD v4.1: 10 of 1,613,756 alleles (0.00062%); highest among the groups gnomAD compares: Admixed American, 0.0017%; no homozygotes.

Submission:

Labcorp Genetics (formerly Invitae), Labcorp
Classification: Uncertain significance. Last evaluated: 2025-07-06. Review status: criteria provided, single submitter. Criteria: Invitae Variant Classification Sherloc (09022015). Collection method: clinical testing. Allele origin: germline.
Comment: This sequence change replaces glutamic acid, which is acidic and polar, with lysine, which is basic and polar, at codon 2019 of the FLNB protein (p.Glu2019Lys). This variant is present in population databases (rs762780598, gnomAD 0.003%). This variant has not been reported in the literature in individuals affected with FLNB-related conditions. Invitae Evidence Modeling of protein sequence and biophysical properties (such as structural, functional, and spatial information, amino acid conservation, physicochemical variation, residue mobility, and thermodynamic stability) indicates that this missense variant is not expected to disrupt FLNB protein function with a negative predictive value of 95%. In summary, the available evidence is currently insufficient to determine the role of this variant in disease. Therefore, it has been classified as a Variant of Uncertain Significance.